The following is an entry in ClinVar:

ClinVar aggregate classification (germline): Pathogenic (1 of 4 stars; one submission).

Conditions:
Nephronophthisis. Also called: Juvenile Nephronophthisis. Identifiers: Orphanet 655, MedGen C0687120, MONDO:0019005, HP:0000090.

Submission:

Labcorp Genetics (formerly Invitae), Labcorp
Classification: Pathogenic for Nephronophthisis. Last evaluated: 2025-03-18. Review status: criteria provided, single submitter. Criteria: Invitae Variant Classification Sherloc (09022015). Collection method: clinical testing. Allele origin: germline.
Comment: This sequence change creates a premature translational stop signal (p.Ser251Lysfs*13) in the IQCB1 gene. It is expected to result in an absent or disrupted protein product. Loss-of-function variants in IQCB1 are known to be pathogenic (PMID: 15723066, 21901789, 23559409, 28041643). This variant is not present in population databases (gnomAD no frequency). This variant has not been reported in the literature in individuals affected with IQCB1-related conditions. For these reasons, this variant has been classified as Pathogenic.

Literature cited by the submitters: PubMed 15723066; PubMed 21901789; PubMed 23559409; PubMed 28041643.

NM_001023570.4(IQCB1):c.751dup (p.Ser251fs)

Gene: IQCB1 (IQ motif containing B1; minus strand). Cytogenetic location: 3q13.33.
Variant type: Duplication.
Coding change: c.751dup on transcript NM_001023570.4 (MANE Select); coding-DNA position 751, one base duplicated (A; older notation c.751dupA).
Protein change: p.Ser251fs; shifts the reading frame from serine 251.
Molecular consequence: frameshift variant. On other transcripts: non-coding transcript variant (1), intron variant (1).
Genome position (GRCh38, 1-based): chr3:121,799,211, T duplicated on the plus strand (A on the coding strand, the reverse complement: IQCB1 is on the minus strand); the first of 3 consecutive T bases (chr3:121,799,211-121,799,213); duplicating any one gives the same sequence. VCF-style (leftmost placement, unchanged base first): chr3-121799210-C-CT. GRCh37 (hg19) VCF-style: chr3-121518057-C-CT.
Other names: c.751dup, p.Ser251fs (NM_001319107.2); c.587+8133dup (NM_001023571.4); short protein forms S251fs.
Identifiers: ClinVar variation 3729957 (VCV003729957.2).